The following is an entry in ClinVar:

NM_001329943.3(KIAA0586):c.2449C>G (p.Pro817Ala)

Gene: KIAA0586 (KIAA0586; plus strand). Cytogenetic location: 14q23.1.
Variant type: single nucleotide variant.
Coding change: c.2449C>G on transcript NM_001329943.3 (MANE Select); coding-DNA position 2449, C replaced by G.
Protein change: p.Pro817Ala; replaces proline 817 with alanine.
Molecular consequence: missense variant.
Genome position (GRCh38, 1-based): chr14:58,470,619, C>G. VCF-style: chr14-58470619-C-G. GRCh37 (hg19) VCF-style: chr14-58937337-C-G.
Other names: c.2608C>G, p.Pro870Ala (NM_001244189.2); c.2404C>G, p.Pro802Ala (NM_001244190.2); c.2194C>G, p.Pro732Ala (NM_001244191.2, NM_001329945.2, NM_001364700.1 and 1 more transcripts); c.2317C>G, p.Pro773Ala (NM_001244192.2); c.2029C>G, p.Pro677Ala (NM_001244193.2); c.2449C>G, p.Pro817Ala (NM_001329944.2, NM_001329946.2, NM_001329947.2); c.2221C>G, p.Pro741Ala (NM_014749.5); short protein forms P677A, P732A, P741A, P773A, P802A, P817A, P870A.
Identifiers: ClinVar variation 1722950 (VCV001722950.7), dbSNP rs370111393, ClinGen allele CA7205883.

ClinVar aggregate classification (germline): Uncertain significance. Review status: criteria provided, multiple submitters, no conflicts (2 of 4 stars). 3 submissions from 3 submitters: Uncertain significance (3). Last evaluated 2025-07-30.

Conditions:
KIAA0586-related disorder. Also called: KIAA0586-related condition; KIAA0586- Related disorders.
Joubert syndrome 23 (JBTS23). Identifiers: Orphanet 475, MedGen C4084822, MONDO:0014664, OMIM 616490.
Short-rib thoracic dysplasia 14 with polydactyly (SRTD14). Identifiers: Orphanet 397715, MedGen C4225286, MONDO:0014688, OMIM 616546.

Allele frequency attached by ClinVar (database versions not stated): ExAC 0.00003; gnomAD 0.00003; gnomAD exomes 0.00003; TOPMed 0.00004; ESP Exome Variant Server 0.00008.
gnomAD v4.1: 53 of 1,577,850 alleles (0.0034%); highest among the groups gnomAD compares: Middle Eastern, 0.017%; no homozygotes.

Submissions (3):

PreventionGenetics, part of Exact Sciences
Classification: Uncertain significance for KIAA0586-related condition. Last evaluated: 2025-07-30. Review status: criteria provided, single submitter. Criteria: ACMG Guidelines, 2015. Collection method: clinical testing. Allele origin: germline.
Comment: The KIAA0586 c.2608C>G variant is predicted to result in the amino acid substitution p.Pro870Ala. To our knowledge, this variant has not been reported in the literature. This variant is reported in 0.0047% of alleles in individuals of European (Non-Finnish) descent in gnomAD. At this time, the clinical significance of this variant is uncertain due to the absence of conclusive functional and genetic evidence.

Labcorp Genetics (formerly Invitae), Labcorp
Classification: Uncertain significance for Joubert syndrome 23; Short-rib thoracic dysplasia 14 with polydactyly. Last evaluated: 2025-05-05. Review status: criteria provided, single submitter. Criteria: Invitae Variant Classification Sherloc (09022015). Collection method: clinical testing. Allele origin: germline.
Comment: This sequence change replaces proline, which is neutral and non-polar, with alanine, which is neutral and non-polar, at codon 870 of the KIAA0586 protein (p.Pro870Ala). This variant is present in population databases (rs370111393, gnomAD 0.005%). This variant has not been reported in the literature in individuals affected with KIAA0586-related conditions. ClinVar contains an entry for this variant (Variation ID: 1722950). Invitae Evidence Modeling of protein sequence and biophysical properties (such as structural, functional, and spatial information, amino acid conservation, physicochemical variation, residue mobility, and thermodynamic stability) indicates that this missense variant is expected to disrupt KIAA0586 protein function with a positive predictive value of 80%. In summary, the available evidence is currently insufficient to determine the role of this variant in disease. Therefore, it has been classified as a Variant of Uncertain Significance.

GeneDx
Classification: Uncertain significance. Last evaluated: 2022-11-03. Review status: criteria provided, single submitter. Criteria: GeneDx Variant Classification Process June 2021. Collection method: clinical testing. Allele origin: germline. Affected: yes.
Comment: In silico analysis supports that this missense variant has a deleterious effect on protein structure/function; Has not been previously published as pathogenic or benign to our knowledge